The following is an entry in ClinVar:

NM_006766.5(KAT6A):c.2192T>C (p.Leu731Pro)

Gene: KAT6A (lysine acetyltransferase 6A; minus strand). Cytogenetic location: 8p11.21.
Variant type: single nucleotide variant.
Coding change: c.2192T>C on transcript NM_006766.5 (MANE Select); coding-DNA position 2192, T replaced by C.
Protein change: p.Leu731Pro; replaces leucine 731 with proline.
Molecular consequence: missense variant.
Genome position (GRCh38, 1-based): chr8:41,943,784, A>G on the plus strand (T>C on the coding strand, the complement: KAT6A is on the minus strand). VCF-style: chr8-41943784-A-G. GRCh37 (hg19) VCF-style: chr8-41801302-A-G.
Other names: c.2192T>C, p.Leu731Pro (NM_001305878.2); short protein forms L731P.
Identifiers: ClinVar variation 4083001 (VCV004083001.1).

ClinVar aggregate classification (germline): Uncertain significance (1 of 4 stars; one submission).

Submission:

GeneDx
Classification: Uncertain significance. Last evaluated: 2025-03-07. Review status: criteria provided, single submitter. Criteria: GeneDx Variant Classification Process June 2021. Collection method: clinical testing. Allele origin: germline. Affected: yes.
Comment: Not observed at significant frequency in large population cohorts (gnomAD); In silico analysis supports that this missense variant has a deleterious effect on protein structure/function; Has not been previously published as pathogenic or benign to our knowledge